The following is an entry in ClinVar:

NC_000012.11:g.(?_122748099)_(122750955_?)dup

Gene: VPS33A (VPS33A core subunit of CORVET and HOPS complexes; minus strand). Cytogenetic location: 12q24.31.
Variant type: Duplication.
Identifiers: ClinVar variation 1434118 (VCV001434118.5).

ClinVar aggregate classification (germline): Uncertain significance (1 of 4 stars; one submission).

Submission:

Labcorp Genetics (formerly Invitae), Labcorp
Classification: Uncertain significance. Last evaluated: 2024-01-24. Review status: criteria provided, single submitter. Criteria: Invitae Variant Classification Sherloc (09022015). Collection method: clinical testing. Allele origin: germline.
Comment: This variant results in a copy number gain of the genomic region encompassing exon(s) 1-3 of the VPS33A gene. This region includes the initiator codon of the gene. This copy number gain extends beyond the assayed region for this gene and therefore may encompass additional genes. As the precise location of this event is unknown, it may be in tandem or it may be located elsewhere in the genome. This variant has not been reported in the literature in individuals affected with VPS33A-related conditions. In summary, the available evidence is currently insufficient to determine the role of this variant in disease. Therefore, it has been classified as a Variant of Uncertain Significance.